The following is an entry in ClinVar:

NM_001943.5(DSG2):c.3321T>C (p.Val1107=)

Genes: DSG2 (desmoglein 2; plus strand), DSG2-AS1 (DSG2 antisense RNA 1; minus strand). Cytogenetic location: 18q12.1.
Variant type: single nucleotide variant.
Coding change: c.3321T>C on transcript NM_001943.5 (MANE Select); coding-DNA position 3321, T replaced by C.
Protein change: p.Val1107=; no amino-acid change (valine 1107 retained).
Molecular consequence: synonymous variant.
Genome position (GRCh38, 1-based): chr18:31,546,707, T>C. VCF-style: chr18-31546707-T-C. GRCh37 (hg19) VCF-style: chr18-29126670-T-C.
Other names: p.Val1107=.
Identifiers: ClinVar variation 44315 (VCV000044315.40), dbSNP rs1791235, ClinGen allele CA022071.
Genomic context (GRCh38, chr18:31,546,707, plus strand): 5'-TTTTGGTTTAGAGGAATCTGGTCATTCTAATTCTACCATAACCACATCTTCCACCAGAGT[T>C]ACCAAGCATAGCACTGTACAGCATTCTTACTCCTAAACAGCAGTCAGCCACAAACTGACC-3'
Protein context (NP_001934.2, residues 1097-1117): NSTITTSSTR[Val1107=]TKHSTVQHSY

ClinVar aggregate classification (germline): Benign. Review status: criteria provided, multiple submitters, no conflicts (2 of 4 stars). 18 submissions from 18 submitters: Benign (12). 6 of the submissions do not count toward it. Last evaluated 2026-02-04.

Conditions:
Cardiovascular phenotype. Identifiers: MedGen CN230736.
Arrhythmogenic right ventricular cardiomyopathy (ARVD). Also called: Cardiomyopathy, ARVC; Arrhythmogenic Right Ventricular Cardiomyopathy (ARVC); Arrhythmogenic right ventricular dysplasia; Arrhythmogenic cardiomyopathy. Identifiers: Orphanet 247, MedGen C0349788, MeSH D019571, MONDO:0016587. Disease mechanism: loss of function. Inheritance: Various modes of inheritance.
Cardiomyopathy (CMYO). Also called: Cardiomyopathies. Identifiers: Orphanet 167848, MedGen C0878544, MONDO:0004994, HP:0001638. Inheritance: Various modes of inheritance.
Arrhythmogenic right ventricular dysplasia 10. Also called: Arrhythmogenic Right Ventricular Dysplasia/Cardiomyopathy10; ARRHYTHMOGENIC RIGHT VENTRICULAR DYSPLASIA, FAMILIAL, 10; Arrhythmogenic right ventricular dysplasia/cardiomyopathy, type 10. Identifiers: MedGen C1857777, MONDO:0012434, OMIM 610193.

Allele frequency attached by ClinVar (database versions not stated): gnomAD exomes 0.39178 and 0.42218; ExAC 0.42332; ESP Exome Variant Server 0.47309; gnomAD 0.47991 and 0.48308; TOPMed 0.49217; 1000 Genomes Project 0.54293; 1000 Genomes Project 30x 0.54528.
gnomAD v4.1: 646,360 of 1,613,426 alleles (40%); highest among the groups gnomAD compares: East Asian, 71%; 136,476 homozygotes.

Submissions (18):

Labcorp Genetics (formerly Invitae), Labcorp
Classification: Benign for Arrhythmogenic right ventricular dysplasia 10. Last evaluated: 2026-02-04. Review status: criteria provided, single submitter. Criteria: Invitae Variant Classification Sherloc (09022015). Collection method: clinical testing. Allele origin: germline.

Blueprint Genetics
Classification: Benign. Last evaluated: 2024-11-28. Review status: criteria provided, single submitter. Criteria: ACMG Guidelines, 2015. Collection method: clinical testing. Allele origin: germline.

All of Us Research Program, National Institutes of Health
Classification: Benign for Arrhythmogenic right ventricular cardiomyopathy. Last evaluated: 2024-10-02. Review status: criteria provided, single submitter. Criteria: ACMG Guidelines, 2015. Collection method: clinical testing. Allele origin: germline. Inheritance: Autosomal dominant inheritance. Observed: 92,875 variant alleles, 66,739 heterozygotes, 26,112 homozygotes, 24 hemizygotes.
Comment: This study involves interpretation of variants in research participants for the purpose of population health screening. Participant phenotype was not available at the time of variant classification. Additional details can be found in publication PMID: 35346344, PMCID: PMC8962531

Molecular Diagnostic Laboratory for Inherited Cardiovascular Disease, Montreal Heart Institute
Classification: Benign. Last evaluated: 2019-10-09. Review status: criteria provided, single submitter. Criteria: ACMG Guidelines, 2015. Collection method: clinical testing. Allele origin: germline. Affected: yes.

Color Diagnostics, LLC DBA Color Health
Classification: Benign for Cardiomyopathy. Last evaluated: 2018-04-08. Review status: criteria provided, single submitter. Criteria: ACMG Guidelines, 2015. Collection method: clinical testing. Allele origin: germline.

Illumina Laboratory Services, Illumina
Classification: Benign for Arrhythmogenic right ventricular dysplasia 10. Last evaluated: 2018-01-13. Review status: criteria provided, single submitter. Criteria: ICSL Variant Classification Criteria 13 December 2019. Collection method: clinical testing. Allele origin: germline.
Comment: This variant was observed in the ICSL laboratory as part of a predisposition screen in an ostensibly healthy population. It had not been previously curated by ICSL or reported in the Human Gene Mutation Database (HGMD: prior to June 1st, 2018), and was therefore a candidate for classification through an automated scoring system. Utilizing variant allele frequency, disease prevalence and penetrance estimates, and inheritance mode, an automated score was calculated to assess if this variant is too frequent to cause the disease. Based on the score and internal cut-off values, a variant classified as benign is not then subjected to further curation. The score for this variant resulted in a classification of benign for this disease.

Ambry Genetics
Classification: Benign for Cardiovascular phenotype. Last evaluated: 2015-03-09. Review status: criteria provided, single submitter. Criteria: Ambry Variant Classification Scheme 2023. Collection method: clinical testing. Allele origin: germline.

GeneDx
Classification: Benign. Last evaluated: 2015-03-03. Review status: criteria provided, single submitter. Criteria: GeneDx Variant Classification Process June 2021. Collection method: clinical testing. Allele origin: germline. Affected: yes.

Mayo Clinic Laboratories, Mayo Clinic
Classification: Benign. Last evaluated: 2014-02-25. Review status: criteria provided, single submitter. Criteria: ACMG Guidelines, 2015. Collection method: clinical testing. Allele origin: germline. Observed: 861 variant alleles.

Laboratory for Molecular Medicine, Mass General Brigham Personalized Medicine
Classification: Benign. Last evaluated: 2008-01-08. Review status: criteria provided, single submitter. Criteria: LMM Criteria. Collection method: clinical testing. Allele origin: germline. Observed: 1,332 variant alleles.

Breakthrough Genomics
Classification: Benign. Review status: criteria provided, single submitter. Criteria: ACMG Guidelines, 2015. Collection method: not provided. Allele origin: germline. Inheritance: Autosomal recessive inheritance. Affected: yes.

PreventionGenetics, part of Exact Sciences
Classification: Benign. Review status: criteria provided, single submitter. Criteria: ACMG Guidelines, 2015. Collection method: clinical testing. Allele origin: germline.

Cohesion Phenomics
Classification: Benign for Cardiomyopathy. Last evaluated: 2022-09-23. Review status: no assertion criteria provided. Criteria: ACMG Guidelines, 2015. Collection method: clinical testing. Allele origin: germline. Affected: yes. Not counted in ClinVar's aggregate classification.

Clinical Genetics DNA and cytogenetics Diagnostics Lab, Erasmus MC, Erasmus Medical Center
Classification: Benign. Review status: no assertion criteria provided. Collection method: clinical testing. Allele origin: germline. Affected: yes. Study: VKGL Data-share Consensus. Not counted in ClinVar's aggregate classification.

Clinical Genetics, Academic Medical Center
Classification: Benign. Review status: no assertion criteria provided. Collection method: clinical testing. Allele origin: germline. Affected: yes. Study: VKGL Data-share Consensus. Not counted in ClinVar's aggregate classification.

Diagnostic Laboratory, Department of Genetics, University Medical Center Groningen
Classification: Benign. Review status: no assertion criteria provided. Collection method: clinical testing. Allele origin: germline. Affected: yes. Study: VKGL Data-share Consensus. Not counted in ClinVar's aggregate classification.

Genome Diagnostics Laboratory, University Medical Center Utrecht
Classification: Benign. Review status: no assertion criteria provided. Collection method: clinical testing. Allele origin: germline. Affected: yes. Study: VKGL Data-share Consensus. Not counted in ClinVar's aggregate classification.

Joint Genome Diagnostic Labs from Nijmegen and Maastricht, Radboudumc and MUMC+
Classification: Benign. Review status: no assertion criteria provided. Collection method: clinical testing. Allele origin: germline. Affected: yes. Study: VKGL Data-share Consensus. Not counted in ClinVar's aggregate classification.